The following is an entry in ClinVar:

NM_000037.4(ANK1):c.970del (p.Leu324fs)

Gene: ANK1 (ankyrin 1; minus strand). Cytogenetic location: 8p11.21.
Variant type: Deletion.
Coding change: c.970del on transcript NM_000037.4 (MANE Select); coding-DNA position 970, one base deleted (C; older notation c.970delC).
Protein change: p.Leu324fs; shifts the reading frame from leucine 324.
Molecular consequence: frameshift variant.
Genome position (GRCh38, 1-based): chr8:41,719,798, G deleted on the plus strand (C on the coding strand, the reverse complement: ANK1 is on the minus strand); the first of 2 consecutive G bases (chr8:41,719,798-41,719,799); deleting either gives the same sequence. VCF-style (leftmost placement, unchanged base first): chr8-41719797-AG-A. GRCh37 (hg19) VCF-style: chr8-41577315-AG-A.
Other names: c.1069del, p.Leu357fs (NM_001142446.2); c.970del, p.Leu324fs (NM_020475.3, NM_020476.3, NM_020477.3); short protein forms L324fs, L357fs.
Identifiers: ClinVar variation 2671690 (VCV002671690.1), dbSNP rs2486944433, ClinGen allele CA2695199672.

ClinVar aggregate classification (germline): Likely pathogenic (1 of 4 stars; one submission).

Conditions:
Hereditary spherocytosis type 1. Also called: Spherocytosis type 1; ANK1-Related Spherocytosis. Identifiers: Orphanet 822, MedGen C2674218, MONDO:0008447, OMIM 182900.

Submission:

Neuberg Centre For Genomic Medicine, NCGM
Classification: Likely pathogenic for Hereditary spherocytosis type 1. Last evaluated: 2023-03-01. Review status: criteria provided, single submitter. Criteria: ACMG Guidelines, 2015. Collection method: clinical testing. Allele origin: germline. Inheritance: Autosomal recessive inheritance. Affected: yes.
Comment: The frameshift c.970del (p.Leu324CysfsTer8) variant in ANK1 gene has not been reported previously as a pathogenic variant nor as a benign variant, to our knowledge. The p.Leu324CysfsTer8 variant is novel (not in any individuals) in both gnomAD Exomes and 1000 Genomes databases. This variant has not been reported to the ClinVar database. This variant causes a frameshift starting with codon Leucine 324, changes this amino acid to Cysteine residue, and creates a premature Stop codon at position 8 of the new reading frame, denoted p.Leu324CysfsTer8. This variant is predicted to cause loss of normal protein function through protein truncation. Loss of function variants have been previously reported to be disease causing. For these reasons, this variant has been classified as Likely Pathogenic.